The following is an entry in ClinVar:

NM_001916.5(CYC1):c.154G>C (p.Gly52Arg)

Gene: CYC1 (cytochrome c1; plus strand). Cytogenetic location: 8q24.3.
Variant type: single nucleotide variant.
Coding change: c.154G>C on transcript NM_001916.5 (MANE Select); coding-DNA position 154, G replaced by C.
Protein change: p.Gly52Arg; replaces glycine 52 with arginine.
Molecular consequence: missense variant.
Genome position (GRCh38, 1-based): chr8:144,095,857, G>C. VCF-style: chr8-144095857-G-C. GRCh37 (hg19) VCF-style: chr8-145150760-G-C.
Other names: c.154G>C (NM_001916.4, NM_001916.3); short protein forms G52R.
Identifiers: ClinVar variation 2892203 (VCV002892203.5), dbSNP rs368429357, ClinGen allele CA4933299.

ClinVar aggregate classification (germline): Uncertain significance. Review status: criteria provided, multiple submitters, no conflicts (2 of 4 stars). 3 submissions from 3 submitters: Uncertain significance (3). Last evaluated 2024-12-23.

gnomAD v4.1: 77 of 1,608,478 alleles (0.0048%); highest among the groups gnomAD compares: Non-Finnish European, 0.0064%; no homozygotes.

Submissions (3):

Ambry Genetics
Classification: Uncertain significance. Last evaluated: 2024-12-23. Review status: criteria provided, single submitter. Criteria: Ambry Variant Classification Scheme 2023. Collection method: clinical testing. Allele origin: germline.

GeneDx
Classification: Uncertain significance. Last evaluated: 2024-06-18. Review status: criteria provided, single submitter. Criteria: GeneDx Variant Classification Process June 2021. Collection method: clinical testing. Allele origin: germline. Affected: yes.
Comment: Not observed at significant frequency in large population cohorts (gnomAD); In silico analysis indicates that this missense variant does not alter protein structure/function; Has not been previously published as pathogenic or benign to our knowledge

Labcorp Genetics (formerly Invitae), Labcorp
Classification: Uncertain significance. Last evaluated: 2023-08-01. Review status: criteria provided, single submitter. Criteria: Invitae Variant Classification Sherloc (09022015). Collection method: clinical testing. Allele origin: germline.
Comment: This sequence change replaces glycine, which is neutral and non-polar, with arginine, which is basic and polar, at codon 52 of the CYC1 protein (p.Gly52Arg). This variant is present in population databases (rs368429357, gnomAD 0.009%). This variant has not been reported in the literature in individuals affected with CYC1-related conditions. An algorithm developed to predict the effect of missense changes on protein structure and function (PolyPhen-2) suggests that this variant is likely to be tolerated. In summary, the available evidence is currently insufficient to determine the role of this variant in disease. Therefore, it has been classified as a Variant of Uncertain Significance.